The following is an entry in ClinVar:

ClinVar aggregate classification (germline): Likely pathogenic (1 of 4 stars; one submission).

Submission:

Labcorp Genetics (formerly Invitae), Labcorp
Classification: Likely pathogenic. Last evaluated: 2023-09-08. Review status: criteria provided, single submitter. Criteria: Invitae Variant Classification Sherloc (09022015). Collection method: clinical testing. Allele origin: germline.
Comment: This variant is not present in population databases (gnomAD no frequency). This sequence change affects a donor splice site in intron 16 of the LAMB3 gene. It is expected to disrupt RNA splicing. Variants that disrupt the donor or acceptor splice site typically lead to a loss of protein function (PMID: 16199547), and loss-of-function variants in LAMB3 are known to be pathogenic (PMID: 11023379, 16473856). This variant has not been reported in the literature in individuals affected with LAMB3-related conditions. In summary, the currently available evidence indicates that the variant is pathogenic, but additional data are needed to prove that conclusively. Therefore, this variant has been classified as Likely Pathogenic. Algorithms developed to predict the effect of sequence changes on RNA splicing suggest that this variant may disrupt the consensus splice site. ClinVar contains an entry for this variant (Variation ID: 2000102).

Literature cited by the submitters: PubMed 16199547; PubMed 11023379; PubMed 16473856.

NM_000228.3(LAMB3):c.2358+1G>A

Genes: LAMB3 (laminin subunit beta 3; minus strand), MIR4260 (microRNA 4260; minus strand). Cytogenetic location: 1q32.2.
Variant type: single nucleotide variant.
Coding change: c.2358+1G>A on transcript NM_000228.3 (MANE Select); the canonical splice donor site of the intron after coding-DNA position 2358, G replaced by A.
Molecular consequence: splice donor variant. On other transcripts: non-coding transcript variant (1).
Genome position (GRCh38, 1-based): chr1:209,623,504, C>T on the plus strand (G>A on the coding strand, the complement: LAMB3 is on the minus strand). VCF-style: chr1-209623504-C-T. GRCh37 (hg19) VCF-style: chr1-209796849-C-T.
Other names: c.2358+1G>A (NM_001127641.1, NM_001017402.2).
Identifiers: ClinVar variation 2000102 (VCV002000102.4), dbSNP rs111724706, ClinGen allele CA344588199.
Genomic context (GRCh38, chr1:209,623,504, plus strand): 5'-GTTGGTGTGTGACAAGCTGGGGTGTGGGCTCCAGGAAGTGGGACTCCATGCCCCAAGTCA[C>T]CTTGTTGAAGGTGGGTGTCAGGTCAGGCAACGAAGACATCTCCAGCCTCAGGGCCACAAG-3'